The following is an entry in ClinVar:

NM_022765.4(MICAL1):c.2293C>T (p.Pro765Ser)

Gene: MICAL1 (microtubule associated monooxygenase, calponin and LIM domain containing 1; minus strand). Cytogenetic location: 6q21.
Variant type: single nucleotide variant.
Coding change: c.2293C>T on transcript NM_022765.4 (MANE Select); coding-DNA position 2293, C replaced by T.
Protein change: p.Pro765Ser; replaces proline 765 with serine.
Molecular consequence: missense variant.
Genome position (GRCh38, 1-based): chr6:109,446,707, G>A on the plus strand (C>T on the coding strand, the complement: MICAL1 is on the minus strand). VCF-style: chr6-109446707-G-A. GRCh37 (hg19) VCF-style: chr6-109767910-G-A.
Other names: c.2035C>T, p.Pro679Ser (NM_001159291.2); c.2350C>T, p.Pro784Ser (NM_001286613.2); short protein forms P679S, P765S, P784S.
Identifiers: ClinVar variation 3611272 (VCV003611272.2).

ClinVar aggregate classification (germline): Uncertain significance (1 of 4 stars; one submission).

Submission:

Labcorp Genetics (formerly Invitae), Labcorp
Classification: Uncertain significance. Last evaluated: 2024-11-28. Review status: criteria provided, single submitter. Criteria: Invitae Variant Classification Sherloc (09022015). Collection method: clinical testing. Allele origin: germline.
Comment: This sequence change replaces proline, which is neutral and non-polar, with serine, which is neutral and polar, at codon 784 of the MICAL1 protein (p.Pro784Ser). This variant is not present in population databases (gnomAD no frequency). This variant has not been reported in the literature in individuals affected with MICAL1-related conditions. An algorithm developed to predict the effect of missense changes on protein structure and function outputs the following: PolyPhen-2: "Benign". The serine amino acid residue is found in multiple mammalian species, which suggests that this missense change does not adversely affect protein function. In summary, the available evidence is currently insufficient to determine the role of this variant in disease. Therefore, it has been classified as a Variant of Uncertain Significance.